The following is an entry in ClinVar:

ClinVar aggregate classification (germline): Likely benign. Review status: criteria provided, multiple submitters, no conflicts (2 of 4 stars). 2 submissions from 2 submitters: Likely benign (2). Last evaluated 2026-04-01.

gnomAD v4.1: 27 of 1,608,558 alleles (0.0017%); highest among the groups gnomAD compares: Middle Eastern, 0.033%; no homozygotes.

Submissions (2):

CeGaT Center for Human Genetics Tuebingen
Classification: Likely benign. Last evaluated: 2026-04-01. Review status: criteria provided, single submitter. Criteria: CeGaT Center For Human Genetics Tuebingen Variant Classification Criteria Version 2. Collection method: clinical testing. Allele origin: germline. Affected: yes. Observed: 1 variant allele.
Comment: VPS41: BP4, BP7

Blueprint Genetics
Classification: Likely benign. Last evaluated: 2022-05-16. Review status: criteria provided, single submitter. Criteria: ACMG Guidelines, 2015. Collection method: clinical testing. Allele origin: germline.

NM_014396.4(VPS41):c.1233T>C (p.Tyr411=)

Gene: VPS41 (VPS41 subunit of HOPS complex; minus strand). Cytogenetic location: 7p14.1.
Variant type: single nucleotide variant.
Coding change: c.1233T>C on transcript NM_014396.4 (MANE Select); coding-DNA position 1233, T replaced by C.
Protein change: p.Tyr411=; no amino-acid change (tyrosine 411 retained).
Molecular consequence: synonymous variant.
Genome position (GRCh38, 1-based): chr7:38,767,551, A>G on the plus strand (T>C on the coding strand, the complement: VPS41 is on the minus strand). VCF-style: chr7-38767551-A-G. GRCh37 (hg19) VCF-style: chr7-38807151-A-G.
Other names: c.1158T>C, p.Tyr386= (NM_080631.4).
Identifiers: ClinVar variation 4872955 (VCV004872955.3).
Genomic context (GRCh38, chr7:38,767,551, plus strand): 5'-CAATTCTATTTATATTAACAAATAATTGTGAAAATGTCATCATTACCGTGCTGCTATGTC[A>G]TAGTCTCCTCTCTCCACCAGGTGATTTATATATGCCAAGCCAATATCCTAGAGAAAGCCA-3'
Protein context (NP_055211.2, residues 401-421): YINHLVERGD[Tyr411=]DIAARKCQKI